The following is an entry in ClinVar:

NM_003119.4(SPG7):c.1048C>G (p.Pro350Ala)

Gene: SPG7 (SPG7 matrix AAA peptidase subunit, paraplegin; plus strand). Cytogenetic location: 16q24.3.
Variant type: single nucleotide variant.
Coding change: c.1048C>G on transcript NM_003119.4 (MANE Select); coding-DNA position 1048, C replaced by G.
Protein change: p.Pro350Ala; replaces proline 350 with alanine.
Molecular consequence: missense variant.
Genome position (GRCh38, 1-based): chr16:89,531,964, C>G. VCF-style: chr16-89531964-C-G. GRCh37 (hg19) VCF-style: chr16-89598372-C-G.
Other names: c.1048C>G, p.Pro350Ala (NM_001363850.1, NM_199367.3); short protein forms P350A.
Identifiers: ClinVar variation 1061422 (VCV001061422.13), dbSNP rs199789849, ClinGen allele CA8243925.

ClinVar aggregate classification (germline): Uncertain significance. Review status: criteria provided, multiple submitters, no conflicts (2 of 4 stars). 4 submissions from 4 submitters: Uncertain significance (3). 1 of the submissions does not count toward it. Last evaluated 2025-11-23.

Conditions:
Leukoencephalopathy with vanishing white matter 1 (VWM1). Also called: Vanishing white matter leukodystrophy; EIF2B1-Related Childhood Ataxia with Central Nervous System Hypomyelination/Vanishing White Matter; Cree leukoencephalopathy; CHILDHOOD ATAXIA WITH CENTRAL NERVOUS SYSTEM HYPOMYELINIZATION. Identifiers: Orphanet 99854, MedGen C5779972, MONDO:0020507, OMIM 603896.
Hereditary spastic paraplegia 7 (SPG7). Also called: SPASTIC PARAPLEGIA 7, AUTOSOMAL RECESSIVE, WITH OR WITHOUT CEREBELLAR ATAXIA; Spastic paraplegia 7; Hereditary spastic paraplegia Paraplegin type; Autosomal recessive spastic paraplegia type 7; SPG7-related neurologic disorder. Identifiers: Orphanet 99013, MedGen C1846564, MONDO:0011803, OMIM 607259.
Retinal dystrophy. Also called: Inherited retinal dystrophy. Identifiers: Orphanet 71862, MedGen C0854723, MeSH D058499, MONDO:0019118, HP:0000556.

Allele frequency attached by ClinVar (database versions not stated): 1000 Genomes Project 30x 0.00016; 1000 Genomes Project 0.00020.
gnomAD v4.1: 63 of 1,613,922 alleles (0.0039%); highest among the groups gnomAD compares: South Asian, 0.012%; no homozygotes.

Submissions (4):

Labcorp Genetics (formerly Invitae), Labcorp
Classification: Uncertain significance for Hereditary spastic paraplegia 7. Last evaluated: 2025-11-23. Review status: criteria provided, single submitter. Criteria: Invitae Variant Classification Sherloc (09022015). Collection method: clinical testing. Allele origin: germline.
Comment: This sequence change replaces proline, which is neutral and non-polar, with alanine, which is neutral and non-polar, at codon 350 of the SPG7 protein (p.Pro350Ala). This variant is present in population databases (rs199789849, gnomAD 0.01%). This variant has not been reported in the literature in individuals affected with SPG7-related conditions. ClinVar contains an entry for this variant (Variation ID: 1061422). Invitae Evidence Modeling of protein sequence and biophysical properties (such as structural, functional, and spatial information, amino acid conservation, physicochemical variation, residue mobility, and thermodynamic stability) indicates that this missense variant is not expected to disrupt SPG7 protein function with a negative predictive value of 80%. This variant disrupts the p.Pro350 amino acid residue in SPG7. Other variant(s) that disrupt this residue have been determined to be pathogenic (internal data). This suggests that this residue is clinically significant, and that variants that disrupt this residue are likely to be disease-causing. In summary, the available evidence is currently insufficient to determine the role of this variant in disease. Therefore, it has been classified as a Variant of Uncertain Significance.

Genomic Medicine Center of Excellence, King Faisal Specialist Hospital and Research Centre
Classification: Uncertain significance for Leukoencephalopathy with vanishing white matter 1. Last evaluated: 2025-09-10. Review status: criteria provided, single submitter. Criteria: ACMG Guidelines, 2015. Collection method: clinical testing. Allele origin: germline.

MGZ Medical Genetics Center
Classification: Uncertain significance for Hereditary spastic paraplegia 7. Last evaluated: 2022-05-05. Review status: criteria provided, single submitter. Criteria: ACMG Guidelines, 2015. Collection method: clinical testing. Allele origin: germline. Affected: yes. Observed: 1 variant allele.
Comment: ACMG criteria applied: PM2_SUP, PP3

Institute of Human Genetics, Univ. Regensburg, Univ. Regensburg
Classification: Uncertain significance for Retinal dystrophy. Last evaluated: 2023-01-01. Review status: no assertion criteria provided. Criteria: ACMG Guidelines, 2015. Collection method: clinical testing. Allele origin: germline. Affected: yes. Not counted in ClinVar's aggregate classification.